The following is an entry in ClinVar:

ClinVar aggregate classification (germline): Conflicting classifications of pathogenicity. Review status: criteria provided, conflicting classifications (1 of 4 stars). 5 submissions from 5 submitters: Uncertain significance (3); Likely benign (1). 1 of the submissions does not count toward it. Last evaluated 2026-01-28.

Conditions:
Hereditary cancer-predisposing syndrome. Also called: Neoplastic Syndromes, Hereditary; Tumor predisposition; Hereditary Cancer Syndrome; Hereditary neoplastic syndrome. Identifiers: Orphanet 140162, MedGen C0027672, MeSH D009386, MONDO:0015356.
Bloom syndrome (BLM). Also called: Bloom-Torre-Machacek syndrome. Identifiers: Orphanet 125, MedGen C0005859, MONDO:0008876, OMIM 210900.

Allele frequency attached by ClinVar (database versions not stated): gnomAD 0.00001; ExAC 0.00002; gnomAD exomes 0.00002; TOPMed 0.00003.
gnomAD v4.1: 48 of 1,614,022 alleles (0.003%); highest among the groups gnomAD compares: Non-Finnish European, 0.0038%; no homozygotes.

Submissions (5):

Labcorp Genetics (formerly Invitae), Labcorp
Classification: Uncertain significance for Bloom syndrome. Last evaluated: 2026-01-28. Review status: criteria provided, single submitter. Criteria: Invitae Variant Classification Sherloc (09022015). Collection method: clinical testing. Allele origin: germline.
Comment: This sequence change replaces aspartic acid, which is acidic and polar, with glutamic acid, which is acidic and polar, at codon 88 of the BLM protein (p.Asp88Glu). This variant is present in population databases (rs757984551, gnomAD 0.006%). This variant has not been reported in the literature in individuals affected with BLM-related conditions. ClinVar contains an entry for this variant (Variation ID: 485329). An algorithm developed to predict the effect of missense changes on protein structure and function (PolyPhen-2) suggests that this variant is likely to be tolerated. In summary, the available evidence is currently insufficient to determine the role of this variant in disease. Therefore, it has been classified as a Variant of Uncertain Significance.

Ambry Genetics
Classification: Likely benign for Hereditary cancer-predisposing syndrome. Last evaluated: 2024-05-21. Review status: criteria provided, single submitter. Criteria: Ambry Variant Classification Scheme 2023. Collection method: clinical testing. Allele origin: germline.

GeneDx
Classification: Uncertain significance. Last evaluated: 2023-03-21. Review status: criteria provided, single submitter. Criteria: GeneDx Variant Classification Process June 2021. Collection method: clinical testing. Allele origin: germline. Affected: yes.
Comment: Not observed at significant frequency in large population cohorts (gnomAD); In silico analysis supports that this missense variant does not alter protein structure/function; Has not been previously published as pathogenic or benign to our knowledge; This variant is associated with the following publications: (PMID: 24434212, Kaysen2022[somatic], 35495117)

Fulgent Genetics
Classification: Uncertain significance for Bloom syndrome. Last evaluated: 2022-05-12. Review status: criteria provided, single submitter. Criteria: ACMG Guidelines, 2015. Collection method: clinical testing. Allele origin: unknown.

Natera, Inc.
Classification: Uncertain significance for Bloom syndrome. Last evaluated: 2018-10-23. Review status: no assertion criteria provided. Collection method: clinical testing. Allele origin: germline. Not counted in ClinVar's aggregate classification.

NM_000057.4(BLM):c.264C>A (p.Asp88Glu)

Gene: BLM (BLM RecQ like helicase; plus strand). Cytogenetic location: 15q26.1.
Variant type: single nucleotide variant.
Coding change: c.264C>A on transcript NM_000057.4 (MANE Select); coding-DNA position 264, C replaced by A.
Protein change: p.Asp88Glu; replaces aspartic acid 88 with glutamic acid.
Molecular consequence: missense variant. On other transcripts: 5 prime UTR variant (1).
Genome position (GRCh38, 1-based): chr15:90,749,532, C>A. VCF-style: chr15-90749532-C-A. GRCh37 (hg19) VCF-style: chr15-91292762-C-A.
Other names: c.264C>A (LRG_20t1); c.264C>A, p.Asp88Glu (NM_001287246.2, NM_001287247.2); c.-1028C>A (NM_001287248.2); short protein forms D88E.
Identifiers: ClinVar variation 485329 (VCV000485329.20), dbSNP rs757984551, ClinGen allele CA7738270.
Genomic context (GRCh38, chr15:90,749,532, plus strand): 5'-CGAAGACTTTTCCTTCAGTGAACCTCTACCCAACACCACAAATCAGCAAAGGGTCAAGGA[C>A]TTCTTTAAAAATGCTCCAGCAGGACAGGAAACACAGAGAGGTGGATCAAAATCATTATTG-3'
Protein context (NP_000048.1, residues 78-98): PNTTNQQRVK[Asp88Glu]FFKNAPAGQE